The following is an entry in ClinVar:

NM_001353812.2(ATP11C):c.585A>G (p.Ala195=)

Gene: ATP11C (ATPase phospholipid transporting 11C (ATP11C blood group); minus strand). Cytogenetic location: Xq27.1.
Variant type: single nucleotide variant.
Coding change: c.585A>G on transcript NM_001353812.2 (MANE Select); coding-DNA position 585, A replaced by G.
Protein change: p.Ala195=; no amino-acid change (alanine 195 retained).
Molecular consequence: synonymous variant.
Genome position (GRCh38, 1-based): chrX:139,802,310, T>C on the plus strand (A>G on the coding strand, the complement: ATP11C is on the minus strand). VCF-style: chrX-139802310-T-C. GRCh37 (hg19) VCF-style: chrX-138884469-T-C.
Other names: c.594A>G, p.Ala198= (NM_001010986.3, NM_173694.5); c.585A>G, p.Ala195= (NM_001353810.2, NM_001353811.2).
Identifiers: ClinVar variation 2661535 (VCV002661535.25), dbSNP rs911542561, ClinGen allele CA336427060.

ClinVar aggregate classification (germline): Likely benign. Review status: criteria provided, multiple submitters, no conflicts (2 of 4 stars). 2 submissions from 2 submitters: Likely benign (2). Last evaluated 2022-11-01.

Allele frequency attached by ClinVar (database versions not stated): TOPMed 0.00001; gnomAD 0.00001.
gnomAD v4.1: 4 of 1,202,598 alleles (0.00033%); highest among the groups gnomAD compares: Non-Finnish European, 0.00045%; no homozygotes.

Submissions (2):

CeGaT Center for Human Genetics Tuebingen
Classification: Likely benign. Last evaluated: 2022-11-01. Review status: criteria provided, single submitter. Criteria: CeGaT Center For Human Genetics Tuebingen Variant Classification Criteria Version 2. Collection method: clinical testing. Allele origin: germline. Affected: yes. Observed: 2 variant alleles.
Comment: ATP11C: BP4, BP7

Blueprint Genetics
Classification: Likely benign. Last evaluated: 2022-10-11. Review status: criteria provided, single submitter. Criteria: ACMG Guidelines, 2015. Collection method: clinical testing. Allele origin: germline.